The following is an entry in ClinVar:

ClinVar aggregate classification (germline): Uncertain significance (1 of 4 stars; one submission).

Submission:

ARUP Laboratories, Molecular Genetics and Genomics, ARUP Laboratories
Classification: Uncertain significance. Last evaluated: 2021-04-23. Review status: criteria provided, single submitter. Criteria: ARUP Molecular Germline Variant Investigation Process 2021. Collection method: clinical testing. Allele origin: germline.
Comment: The DHTKD1 c.2573-13T>G variant, to our knowledge, has not been reported in the medical literature or gene specific databases. This variant is also absent from general population databases (1000 Genomes Project, Exome Variant Server, and Genome Aggregation Database), indicating it is not a common polymorphism. Located in intron 15, this variant is predicted to weaken the splice acceptor site. However, based on the available information, the clinical significance of this variant is uncertain.

NM_018706.7(DHTKD1):c.2573-13T>G

Gene: DHTKD1 (dehydrogenase E1 and transketolase domain containing 1; plus strand). Cytogenetic location: 10p14.
Variant type: single nucleotide variant.
Coding change: c.2573-13T>G on transcript NM_018706.7 (MANE Select); 13 bases into the intron before coding-DNA position 2573, T replaced by G.
Molecular consequence: intron variant.
Genome position (GRCh38, 1-based): chr10:12,120,169, T>G. VCF-style: chr10-12120169-T-G. GRCh37 (hg19) VCF-style: chr10-12162168-T-G.
Identifiers: ClinVar variation 1330738 (VCV001330738.7), dbSNP rs2131630525, ClinGen allele CA2573053250.